The following is an entry in ClinVar:

NM_001374736.1(DST):c.23264G>A (p.Arg7755His)

Gene: DST (dystonin; minus strand). Cytogenetic location: 6p12.1.
Variant type: single nucleotide variant.
Coding change: c.23264G>A on transcript NM_001374736.1 (MANE Select); coding-DNA position 23264, G replaced by A.
Protein change: p.Arg7755His; replaces arginine 7755 with histidine.
Molecular consequence: missense variant.
Genome position (GRCh38, 1-based): chr6:56,459,198, C>T on the plus strand (G>A on the coding strand, the complement: DST is on the minus strand). VCF-style: chr6-56459198-C-T. GRCh37 (hg19) VCF-style: chr6-56323996-C-T.
Other names: c.16835G>A, p.Arg5612His (NM_001144769.5); c.16421G>A, p.Arg5474His (NM_001144770.2); c.23192G>A, p.Arg7731His (NM_001374722.1); c.22193G>A, p.Arg7398His (NM_001374729.1); c.15935G>A, p.Arg5312His (NM_001374730.1); c.23219G>A, p.Arg7740His (NM_001374734.1); c.16283G>A, p.Arg5428His (NM_001386100.1); c.15323G>A, p.Arg5108His (NM_015548.5); and 1 more; short protein forms R5108H, R5434H, R7398H, R7731H, R5428H, R5474H, R7755H, R5312H.
Identifiers: ClinVar variation 1449703 (VCV001449703.7), dbSNP rs369312019, ClinGen allele CA3865994.

ClinVar aggregate classification (germline): Uncertain significance. Review status: criteria provided, multiple submitters, no conflicts (2 of 4 stars). 2 submissions from 2 submitters: Uncertain significance (2). Last evaluated 2022-04-18.

Conditions:
Inborn genetic diseases. Identifiers: MedGen C0950123, MeSH D030342.
Hereditary sensory and autonomic neuropathy type 6. Also called: HSAN VI; Neuropathy, hereditary sensory and autonomic, type VI. Identifiers: Orphanet 314381, MedGen C3539003, MONDO:0013839, OMIM 614653.
Epidermolysis bullosa simplex 3, localized or generalized intermediate, with BP230 deficiency (EBS3). Also called: Epidermolysis bullosa simplex, autosomal recessive 2; Epidermolysis bullosa simplex due to BP230 deficiency. Identifiers: Orphanet 412181, MedGen C3809470, MONDO:0014180, OMIM 615425.

Allele frequency attached by ClinVar (database versions not stated): ExAC 0.00002; gnomAD 0.00003 and 0.00004; gnomAD exomes 0.00003 and 0.00005; TOPMed 0.00003; ESP Exome Variant Server 0.00008.
gnomAD v4.1: 82 of 1,613,600 alleles (0.0051%); highest among the groups gnomAD compares: East Asian, 0.0067%; no homozygotes.

Submissions (2):

Labcorp Genetics (formerly Invitae), Labcorp
Classification: Uncertain significance for Epidermolysis bullosa simplex 3, localized or generalized intermediate, with BP230 deficiency; Hereditary sensory and autonomic neuropathy type 6. Last evaluated: 2022-04-18. Review status: criteria provided, single submitter. Criteria: Invitae Variant Classification Sherloc (09022015). Collection method: clinical testing. Allele origin: germline.
Comment: The DST gene has multiple clinically relevant transcripts. This variant occurs in alternate transcript NM_015548.4, and corresponds to NM_001723.5:c.*156319G>A in the primary transcript. This sequence change replaces arginine, which is basic and polar, with histidine, which is basic and polar, at codon 5108 of the DST protein (p.Arg5108His). This variant is present in population databases (rs369312019, gnomAD 0.01%). This variant has not been reported in the literature in individuals affected with DST-related conditions. Experimental studies and prediction algorithms are not available or were not evaluated, and the functional significance of this variant is currently unknown. In summary, the available evidence is currently insufficient to determine the role of this variant in disease. Therefore, it has been classified as a Variant of Uncertain Significance.

Ambry Genetics
Classification: Uncertain significance for Inborn genetic diseases. Last evaluated: 2020-08-04. Review status: criteria provided, single submitter. Criteria: Ambry Variant Classification Scheme 2023. Collection method: clinical testing. Allele origin: germline.
Comment: The p.R5612H variant (also known as c.16835G>A), located in coding exon 97 of the DST gene, results from a G to A substitution at nucleotide position 16835. The arginine at codon 5612 is replaced by histidine, an amino acid with highly similar properties. This amino acid position is highly conserved in available vertebrate species. In addition, the in silico prediction for this alteration is inconclusive. Since supporting evidence is limited at this time, the clinical significance of this alteration remains unclear.